The following is an entry in ClinVar:

ClinVar aggregate classification (germline): Uncertain significance (1 of 4 stars; one submission).

Conditions:
POLD1-related polyposis and colorectal cancer syndrome (CRCS10). Also called: Colorectal cancer, susceptibility to, 10; Colorectal cancer 10; COLORECTAL CANCER, SUSCEPTIBILITY TO, ON CHROMOSOME 19q. Identifiers: Orphanet 220460, MedGen C2675481, MONDO:0012953, OMIM 612591.

Submission:

Labcorp Genetics (formerly Invitae), Labcorp
Classification: Uncertain significance for POLD1-related polyposis and colorectal cancer syndrome. Last evaluated: 2023-12-01. Review status: criteria provided, single submitter. Criteria: Invitae Variant Classification Sherloc (09022015). Collection method: clinical testing. Allele origin: germline.
Comment: This variant, c.1733_1735del, results in the deletion of 1 amino acid(s) of the POLD1 protein (p.Gly578del), but otherwise preserves the integrity of the reading frame. This variant is not present in population databases (gnomAD no frequency). This variant has not been reported in the literature in individuals affected with POLD1-related conditions. ClinVar contains an entry for this variant (Variation ID: 408112). Experimental studies and prediction algorithms are not available or were not evaluated, and the functional significance of this variant is currently unknown. In summary, the available evidence is currently insufficient to determine the role of this variant in disease. Therefore, it has been classified as a Variant of Uncertain Significance.

NM_002691.4(POLD1):c.1730GCG[1] (p.Gly578del)

Gene: POLD1 (DNA polymerase delta 1, catalytic subunit; plus strand). Cytogenetic location: 19q13.33.
Variant type: Microsatellite.
Coding change: c.1730GCG[1] on transcript NM_002691.4 (MANE Select); one copy of the 3-base unit GCG starting at c.1730; the reference has two copies in a row; one copy, 3 bases deleted.
Protein change: p.Gly578del; deletes glycine 578.
Molecular consequence: inframe deletion. On other transcripts: non-coding transcript variant (1).
Genome position (GRCh38, 1-based): chr19:50,407,373-50,407,375, GCG deleted; deleting any 3 consecutive bases within chr19:50,407,369-50,407,375 gives the same sequence; the position shown is the placement nearest the transcript's 3' end. VCF-style (leftmost placement, unchanged base first): chr19-50407368-GGGC-G. GRCh37 (hg19) VCF-style: chr19-50910625-GGGC-G.
Other names: c.1730GCG[1], p.Gly578del (NM_001256849.1, NM_001308632.1); short protein forms G578del.
Identifiers: ClinVar variation 408112 (VCV000408112.6), dbSNP rs1060501856, ClinGen allele CA16616378.